The following is an entry in ClinVar:

ClinVar aggregate classification (germline): Uncertain significance (1 of 4 stars; one submission).

Conditions:
Arrhythmogenic right ventricular cardiomyopathy (ARVD). Also called: Arrhythmogenic right ventricular dysplasia; Cardiomyopathy, ARVC; Arrhythmogenic cardiomyopathy; Arrhythmogenic Right Ventricular Cardiomyopathy (ARVC). Identifiers: Orphanet 247, MedGen C0349788, MeSH D019571, MONDO:0016587. Disease mechanism: loss of function. Inheritance: Various modes of inheritance.

Submission:

All of Us Research Program, National Institutes of Health
Classification: Uncertain significance for Arrhythmogenic right ventricular cardiomyopathy. Last evaluated: 2023-06-26. Review status: criteria provided, single submitter. Criteria: ACMG Guidelines, 2015. Collection method: clinical testing. Allele origin: germline. Inheritance: Autosomal dominant inheritance. Observed: 1 variant allele, 1 heterozygote.
Comment: This missense variant replaces serine with asparagine at codon 297 of the PKP2 protein. Computational prediction suggests that this variant may not impact protein structure and function (internally defined REVEL score threshold <= 0.5, PMID: 27666373). To our knowledge, functional studies have not been reported for this variant. This variant has not been reported in individuals affected with PKP2-related disorders in the literature. This variant has not been identified in the general population by the Genome Aggregation Database (gnomAD). The available evidence is insufficient to determine the role of this variant in disease conclusively. Therefore, this variant is classified as a Variant of Uncertain Significance.

This study involves interpretation of variants in research participants for the purpose of population health screening. Participant phenotype was not available at the time of variant classification. Additional details can be found in publication PMID: 35346344, PMCID: PMC8962531

NM_001005242.3(PKP2):c.890G>A (p.Ser297Asn)

Gene: PKP2 (plakophilin 2; minus strand). Cytogenetic location: 12p11.21.
Variant type: single nucleotide variant.
Coding change: c.890G>A on transcript NM_001005242.3 (MANE Select); coding-DNA position 890, G replaced by A.
Protein change: p.Ser297Asn; replaces serine 297 with asparagine.
Molecular consequence: missense variant.
Genome position (GRCh38, 1-based): chr12:32,877,990, C>T on the plus strand (G>A on the coding strand, the complement: PKP2 is on the minus strand). VCF-style: chr12-32877990-C-T. GRCh37 (hg19) VCF-style: chr12-33030924-C-T.
Other names: c.890G>A, p.Ser297Asn (NM_001407155.1, NM_001407156.1, NM_001407157.1 and 2 more transcripts); c.563G>A, p.Ser188Asn (NM_001407158.1, NM_001407159.1, NM_001407160.1 and 1 more transcripts); short protein forms S188N, S297N.
Identifiers: ClinVar variation 3071996 (VCV003071996.1), dbSNP rs2541339091, ClinGen allele CA384362082.